The following is an entry in ClinVar:

ClinVar aggregate classification (germline): Uncertain significance (1 of 4 stars; one submission).

Conditions:
Catecholaminergic polymorphic ventricular tachycardia 1. Also called: VENTRICULAR TACHYCARDIA, STRESS-INDUCED POLYMORPHIC 1; VENTRICULAR TACHYCARDIA, CATECHOLAMINERGIC POLYMORPHIC, 1, WITH OR WITHOUT ATRIAL DYSFUNCTION AND/OR DILATED CARDIOMYOPATHY; RYR2-Related Catecholaminergic Polymorphic Ventricular Tachycardia. Identifiers: Orphanet 3286, MedGen C1631597, MONDO:0011484, OMIM 604772.

gnomAD v4.1: 1 of 1,596,448 alleles (0.000063%); highest among the groups gnomAD compares: Admixed American, 0.0017%; no homozygotes.

Submission:

Labcorp Genetics (formerly Invitae), Labcorp
Classification: Uncertain significance for Catecholaminergic polymorphic ventricular tachycardia 1. Last evaluated: 2025-10-13. Review status: criteria provided, single submitter. Criteria: Invitae Variant Classification Sherloc (09022015). Collection method: clinical testing. Allele origin: germline.
Comment: This sequence change falls in intron 81 of the RYR2 gene. It does not directly change the encoded amino acid sequence of the RYR2 protein. It affects a nucleotide within the consensus splice site. This variant is present in population databases (rs761460667, gnomAD 0.003%). This variant has not been reported in the literature in individuals affected with RYR2-related conditions. ClinVar contains an entry for this variant (Variation ID: 3683493). Variants that disrupt the consensus splice site are a relatively common cause of aberrant splicing (PMID: 17576681, 9536098). Algorithms developed to predict the effect of sequence changes on RNA splicing suggest that this variant is not likely to affect RNA splicing. In summary, the available evidence is currently insufficient to determine the role of this variant in disease. Therefore, it has been classified as a Variant of Uncertain Significance.

Literature cited by the submitters: PubMed 17576681; PubMed 9536098.

NM_001035.3(RYR2):c.11246-3T>C

Gene: RYR2 (ryanodine receptor 2; plus strand). Cytogenetic location: 1q43.
Variant type: single nucleotide variant.
Coding change: c.11246-3T>C on transcript NM_001035.3 (MANE Select); 3 bases into the intron before coding-DNA position 11246, T replaced by C.
Molecular consequence: intron variant.
Genome position (GRCh38, 1-based): chr1:237,757,694, T>C. VCF-style: chr1-237757694-T-C. GRCh37 (hg19) VCF-style: chr1-237920994-T-C.
Identifiers: ClinVar variation 3683493 (VCV003683493.2).